The following is an entry in ClinVar:

ClinVar aggregate classification (germline): Benign/Likely benign. Review status: criteria provided, multiple submitters, no conflicts (2 of 4 stars). 5 submissions from 5 submitters: Benign (3); Likely benign (2). Last evaluated 2026-09-01.

Allele frequency attached by ClinVar (database versions not stated): ExAC 0.00278; gnomAD exomes 0.00389 and 0.00771; ESP Exome Variant Server 0.00436; gnomAD 0.00443 and 0.00454; TOPMed 0.00461; 1000 Genomes Project 0.00080.
gnomAD v4.1: 10,261 of 1,393,560 alleles (0.74%); highest among the groups gnomAD compares: Non-Finnish European, 0.91%; 46 homozygotes.

Submissions (5):

CeGaT Center for Human Genetics Tuebingen
Classification: Likely benign. Last evaluated: 2026-09-01. Review status: criteria provided, single submitter. Criteria: CeGaT Center For Human Genetics Tuebingen Variant Classification Criteria Version 2. Collection method: clinical testing. Allele origin: germline. Affected: yes. Observed: 5 variant alleles.
Comment: NAF1: BS2

Labcorp Genetics (formerly Invitae), Labcorp
Classification: Benign. Last evaluated: 2026-02-01. Review status: criteria provided, single submitter. Criteria: Invitae Variant Classification Sherloc (09022015). Collection method: clinical testing. Allele origin: germline.

Mayo Clinic Laboratories, Mayo Clinic
Classification: Likely benign. Last evaluated: 2025-01-20. Review status: criteria provided, single submitter. Criteria: ACMG Guidelines, 2015. Collection method: clinical testing. Allele origin: germline. Observed: 2 variant alleles.
Comment: BS2, BP4_moderate

Genetic Services Laboratory, University of Chicago
Classification: Benign. Last evaluated: 2018-08-23. Review status: criteria provided, single submitter. Criteria: ACMG Guidelines, 2015. Collection method: clinical testing. Allele origin: germline. Affected: no.

Breakthrough Genomics
Classification: Benign. Review status: criteria provided, single submitter. Criteria: ACMG Guidelines, 2015. Collection method: not provided. Allele origin: germline. Inheritance: Unknown mechanism. Affected: yes.

NM_138386.3(NAF1):c.1348G>A (p.Gly450Ser)

Gene: NAF1 (nuclear assembly factor 1 ribonucleoprotein; minus strand). Cytogenetic location: 4q32.2.
Variant type: single nucleotide variant.
Coding change: c.1348G>A on transcript NM_138386.3 (MANE Select); coding-DNA position 1348, G replaced by A.
Protein change: p.Gly450Ser; replaces glycine 450 with serine.
Molecular consequence: missense variant. On other transcripts: intron variant (1).
Genome position (GRCh38, 1-based): chr4:163,129,034, C>T on the plus strand (G>A on the coding strand, the complement: NAF1 is on the minus strand). VCF-style: chr4-163129034-C-T. GRCh37 (hg19) VCF-style: chr4-164050186-C-T.
Other names: p.Gly450Ser; c.1034-1919G>A (NM_001128931.2); short protein forms G450S.
Identifiers: ClinVar variation 1336132 (VCV001336132.29), dbSNP rs200516616, ClinGen allele CA3126118.